The following is an entry in ClinVar:

NM_001009944.3(PKD1):c.7401dup (p.Asn2468fs)

Gene: PKD1 (polycystin 1, transient receptor potential channel interacting; minus strand). Cytogenetic location: 16p13.3.
Variant type: Duplication.
Coding change: c.7401dup on transcript NM_001009944.3 (MANE Select); coding-DNA position 7401, one base duplicated (C; older notation c.7401dupC).
Protein change: p.Asn2468fs; shifts the reading frame from asparagine 2468.
Molecular consequence: frameshift variant.
Genome position (GRCh38, 1-based): chr16:2,106,486, G duplicated on the plus strand (C on the coding strand, the reverse complement: PKD1 is on the minus strand); the first of 5 consecutive G bases (chr16:2,106,486-2,106,490); duplicating any one gives the same sequence. VCF-style (leftmost placement, unchanged base first): chr16-2106485-T-TG. GRCh37 (hg19) VCF-style: chr16-2156486-T-TG.
Other names: c.7401dup, p.Asn2468fs (NM_000296.4); short protein forms N2468fs.
Identifiers: ClinVar variation 3335848 (VCV003335848.2).

ClinVar aggregate classification (germline): Pathogenic (1 of 4 stars; one submission).

Conditions:
Polycystic kidney disease, adult type (PKD1). Also called: Polycystic Kidney, Autosomal Dominant; POLYCYSTIC KIDNEY DISEASE 1 WITH OR WITHOUT POLYCYSTIC LIVER DISEASE; POLYCYSTIC KIDNEY DISEASE, ADULT, TYPE I; Polycystic Kidney Disease 1, Autosomal Dominant; Polycystic kidney disease 1; Polycystic kidney disease 1, severe. Identifiers: MedGen C3149841, MONDO:0008263, OMIM 173900.

Submission:

Juno Genomics, Hangzhou Juno Genomics, Inc
Classification: Pathogenic for Polycystic kidney disease, adult type. Review status: criteria provided, single submitter. Criteria: ACMG Guidelines, 2015. Collection method: clinical testing. Allele origin: germline. Affected: yes.
Comment: Absent from controls (or at extremely low frequency if recessive) in Genome Aggregation Database, Exome Sequencing Project, 1000 Genomes Project, or Exome Aggregation Consortium.;Null variant in a gene where loss of function (LOF) is a known mechanism of disease.;Patient's phenotype or family history is highly specific for a disease with a single genetic etiology.